The following is an entry in ClinVar:

NM_000489.6(ATRX):c.3320G>A (p.Cys1107Tyr)

Gene: ATRX (ATRX chromatin remodeler; minus strand). Cytogenetic location: Xq21.1.
Variant type: single nucleotide variant.
Coding change: c.3320G>A on transcript NM_000489.6 (MANE Select); coding-DNA position 3320, G replaced by A.
Protein change: p.Cys1107Tyr; replaces cysteine 1107 with tyrosine.
Molecular consequence: missense variant.
Genome position (GRCh38, 1-based): chrX:77,681,936, C>T on the plus strand (G>A on the coding strand, the complement: ATRX is on the minus strand). VCF-style: chrX-77681936-C-T. GRCh37 (hg19) VCF-style: chrX-76937428-C-T.
Other names: c.3206G>A, p.Cys1069Tyr (NM_138270.5); c.3320G>A (NM_000489.4); short protein forms C1069Y, C1107Y.
Identifiers: ClinVar variation 1044135 (VCV001044135.9), dbSNP rs2071226540, ClinGen allele CA413706831.

ClinVar aggregate classification (germline): Uncertain significance. Review status: criteria provided, multiple submitters, no conflicts (2 of 4 stars). 2 submissions from 2 submitters: Uncertain significance (2). Last evaluated 2025-03-01.

Conditions:
ATRX-related disorder. Also called: ATRX-related condition.
Alpha thalassemia-X-linked intellectual disability syndrome (ATRX). Also called: ALPHA-THALASSEMIA/MENTAL RETARDATION SYNDROME, X-LINKED; ATR, NONDELETION TYPE; ATR-X syndrome; Alpha thalassemia mental retardation syndrome, nondeletion type, X-linked; XLMR hypotonic face syndrome; X-linked alpha-thalassemia-mental retardation syndrome. Identifiers: Orphanet 847, MedGen C1845055, MONDO:0010519, OMIM 301040.

Allele frequency attached by ClinVar (database versions not stated): gnomAD exomes below 0.00001; TOPMed 0.00002; gnomAD 0.00001.
gnomAD v4.1: 3 of 1,208,620 alleles (0.00025%); highest among the groups gnomAD compares: African/African-American, 0.0035%; no homozygotes.

Submissions (2):

PreventionGenetics, part of Exact Sciences
Classification: Uncertain significance for ATRX-related condition. Last evaluated: 2025-03-01. Review status: criteria provided, single submitter. Criteria: ACMG Guidelines, 2015. Collection method: clinical testing. Allele origin: germline.
Comment: The ATRX c.3320G>A variant is predicted to result in the amino acid substitution p.Cys1107Tyr. To our knowledge, this variant has not been reported in the literature or in a large population database (gnomAD), indicating this variant is rare. At this time, the clinical significance of this variant is uncertain due to the absence of conclusive functional and genetic evidence.

Labcorp Genetics (formerly Invitae), Labcorp
Classification: Uncertain significance for Alpha thalassemia-X-linked intellectual disability syndrome. Last evaluated: 2021-09-01. Review status: criteria provided, single submitter. Criteria: Invitae Variant Classification Sherloc (09022015). Collection method: clinical testing. Allele origin: germline.
Comment: This sequence change replaces cysteine with tyrosine at codon 1107 of the ATRX protein (p.Cys1107Tyr). The cysteine residue is moderately conserved and there is a large physicochemical difference between cysteine and tyrosine. This variant is not present in population databases (ExAC no frequency). This variant has not been reported in the literature in individuals affected with ATRX-related conditions. Algorithms developed to predict the effect of missense changes on protein structure and function (SIFT, PolyPhen-2, Align-GVGD) all suggest that this variant is likely to be tolerated. In summary, the available evidence is currently insufficient to determine the role of this variant in disease. Therefore, it has been classified as a Variant of Uncertain Significance.